The following is an entry in ClinVar:

ClinVar aggregate classification (germline): Uncertain significance (1 of 4 stars; one submission).

Conditions:
Peroxisome biogenesis disorder 9B. Also called: PEX7-Related Refsum Disease; Refsum disease, adult, 2; PEROXISOME BIOGENESIS DISORDER, PEX7-RELATED, ATYPICAL. Identifiers: Orphanet 773, MedGen C2749346, MONDO:0013945, OMIM 614879.

Submission:

Labcorp Genetics (formerly Invitae), Labcorp
Classification: Uncertain significance for Peroxisome biogenesis disorder 9B. Last evaluated: 2022-07-17. Review status: criteria provided, single submitter. Criteria: Invitae Variant Classification Sherloc (09022015). Collection method: clinical testing. Allele origin: germline.
Comment: This sequence change replaces proline, which is neutral and non-polar, with alanine, which is neutral and non-polar, at codon 29 of the PEX7 protein (p.Pro29Ala). This variant is not present in population databases (gnomAD no frequency). This variant has not been reported in the literature in individuals affected with PEX7-related conditions. Algorithms developed to predict the effect of missense changes on protein structure and function (SIFT, PolyPhen-2, Align-GVGD) all suggest that this variant is likely to be tolerated. In summary, the available evidence is currently insufficient to determine the role of this variant in disease. Therefore, it has been classified as a Variant of Uncertain Significance.

NM_000288.4(PEX7):c.85C>G (p.Pro29Ala)

Gene: PEX7 (peroxisomal biogenesis factor 7; plus strand). Cytogenetic location: 6q23.3.
Variant type: single nucleotide variant.
Coding change: c.85C>G on transcript NM_000288.4 (MANE Select); coding-DNA position 85, C replaced by G.
Protein change: p.Pro29Ala; replaces proline 29 with alanine.
Molecular consequence: missense variant.
Genome position (GRCh38, 1-based): chr6:136,822,750, C>G. VCF-style: chr6-136822750-C-G. GRCh37 (hg19) VCF-style: chr6-137143888-C-G.
Other names: short protein forms P29A.
Identifiers: ClinVar variation 2149261 (VCV002149261.1), dbSNP rs1368487718, ClinGen allele CA365855313.